The following is an entry in ClinVar:

NM_000222.3(KIT):c.969A>G (p.Val323=)

Gene: KIT (KIT proto-oncogene, receptor tyrosine kinase; plus strand). Cytogenetic location: 4q12.
Variant type: single nucleotide variant.
Coding change: c.969A>G on transcript NM_000222.3 (MANE Select); coding-DNA position 969, A replaced by G.
Protein change: p.Val323=; no amino-acid change (valine 323 retained).
Molecular consequence: synonymous variant.
Genome position (GRCh38, 1-based): chr4:54,707,141, A>G. VCF-style: chr4-54707141-A-G. GRCh37 (hg19) VCF-style: chr4-55573307-A-G.
Other names: c.969A>G, p.Val323= (NM_001093772.2, NM_001385285.1, NM_001385286.1); c.972A>G, p.Val324= (NM_001385284.1, NM_001385288.1, NM_001385290.1 and 1 more transcripts).
Identifiers: ClinVar variation 458978 (VCV000458978.17), dbSNP rs1553888773, ClinGen allele CA439288590.

ClinVar aggregate classification (germline): Benign/Likely benign. Review status: criteria provided, multiple submitters, no conflicts (2 of 4 stars). 3 submissions from 3 submitters: Benign (1); Likely benign (2). Last evaluated 2026-06-03.

Conditions:
Gastrointestinal stromal tumor. Also called: Gastrointestinal stroma tumor; Gastrointestinal stromal tumor, somatic. Identifiers: Orphanet 44890, MedGen C0238198, MeSH D046152, MONDO:0011719, OMIM 606764, HP:0100723.
Hereditary cancer-predisposing syndrome. Also called: Tumor predisposition; Hereditary neoplastic syndrome; Neoplastic Syndromes, Hereditary; Hereditary Cancer Syndrome. Identifiers: Orphanet 140162, MedGen C0027672, MeSH D009386, MONDO:0015356.

Allele frequency attached by ClinVar (database versions not stated): gnomAD exomes below 0.00001.
gnomAD v4.1: 1 of 1,576,322 alleles (0.000063%); highest among the groups gnomAD compares: Non-Finnish European, 0.000087%; no homozygotes.

Submissions (3):

Myriad Genetics, Inc.
Classification: Benign for Gastrointestinal stromal tumor. Last evaluated: 2026-06-03. Review status: criteria provided, single submitter. Criteria: Myriad Autosomal Dominant, Autosomal Recessive and X-Linked Classification Criteria (2023). Collection method: clinical testing. Allele origin: unknown.
Comment: This variant is considered benign. This variant is a silent/synonymous amino acid change and it is not expected to impact splicing.

Labcorp Genetics (formerly Invitae), Labcorp
Classification: Likely benign for Gastrointestinal stromal tumor. Last evaluated: 2025-12-22. Review status: criteria provided, single submitter. Criteria: Invitae Variant Classification Sherloc (09022015). Collection method: clinical testing. Allele origin: germline.

Ambry Genetics
Classification: Likely benign for Hereditary cancer-predisposing syndrome. Last evaluated: 2019-08-13. Review status: criteria provided, single submitter. Criteria: Ambry Variant Classification Scheme 2023. Collection method: clinical testing. Allele origin: germline.